The following is an entry in ClinVar:

ClinVar aggregate classification (germline): Uncertain significance. Review status: criteria provided, multiple submitters, no conflicts (2 of 4 stars). 5 submissions from 5 submitters: Uncertain significance (5). Last evaluated 2026-05-19.

Conditions:
Progressive external ophthalmoplegia with mitochondrial DNA deletions, autosomal dominant 1 (PEOA1). Also called: Autosomal Dominant Progressive External Ophthalmoplegia (adPEO); PROGRESSIVE EXTERNAL OPHTHALMOPLEGIA, AUTOSOMAL DOMINANT 1. Identifiers: MedGen C1834846, MONDO:0024528, OMIM 157640.
Progressive sclerosing poliodystrophy (MTDPS4A). Also called: ALPERS PROGRESSIVE INFANTILE POLIODYSTROPHY; Alpers-Huttenlocher Syndrome (AHS); Alpers Syndrome; Mitochondrial DNA Depletion Syndrome 4A; NEURONAL DEGENERATION OF CHILDHOOD WITH LIVER DISEASE, PROGRESSIVE; Mitochondrial DNA depletion syndrome 4A (Alpers type). Identifiers: Orphanet 726, MedGen C0205710, MONDO:0008758, OMIM 203700.

Allele frequency attached by ClinVar (database versions not stated): gnomAD 0.00001; gnomAD exomes 0.00001; TOPMed 0.00001.
gnomAD v4.1: 13 of 1,560,556 alleles (0.00083%); highest among the groups gnomAD compares: Non-Finnish European, 0.0011%; no homozygotes.

Submissions (5):

Women's Health and Genetics/Laboratory Corporation of America, LabCorp
Classification: Uncertain significance. Last evaluated: 2026-05-19. Review status: criteria provided, single submitter. Criteria: LabCorp Variant Classification Summary - May 2015. Collection method: clinical testing. Allele origin: germline.
Comment: Variant summary: POLG c.88G>A (p.Val30Ile) results in a conservative amino acid change in the encoded protein sequence. Algorithms developed to predict the effect of missense changes on protein structure and function all suggest that this variant is likely to be tolerated. The variant allele was found at a frequency of 6.3e-06 in 158552 control chromosomes. The available data on variant occurrences in the general population are insufficient to allow any conclusion about variant significance. To our knowledge, no occurrence of c.88G>A in individuals affected with POLG-related conditions and no experimental evidence demonstrating its impact on protein function have been reported. ClinVar contains an entry for this variant (Variation ID: 807309). Based on the evidence outlined above, the variant was classified as uncertain significance.

Labcorp Genetics (formerly Invitae), Labcorp
Classification: Uncertain significance for Progressive sclerosing poliodystrophy. Last evaluated: 2025-04-27. Review status: criteria provided, single submitter. Criteria: Invitae Variant Classification Sherloc (09022015). Collection method: clinical testing. Allele origin: germline.
Comment: This sequence change replaces valine, which is neutral and non-polar, with isoleucine, which is neutral and non-polar, at codon 30 of the POLG protein (p.Val30Ile). The frequency data for this variant in the population databases is considered unreliable, as metrics indicate poor data quality at this position in the gnomAD database. This variant has not been reported in the literature in individuals affected with POLG-related conditions. ClinVar contains an entry for this variant (Variation ID: 807309). Invitae Evidence Modeling of protein sequence and biophysical properties (such as structural, functional, and spatial information, amino acid conservation, physicochemical variation, residue mobility, and thermodynamic stability) indicates that this missense variant is not expected to disrupt POLG protein function with a negative predictive value of 95%. In summary, the available evidence is currently insufficient to determine the role of this variant in disease. Therefore, it has been classified as a Variant of Uncertain Significance.

MGZ Medical Genetics Center
Classification: Uncertain significance for Progressive external ophthalmoplegia with mitochondrial DNA deletions, autosomal dominant 1. Last evaluated: 2021-12-06. Review status: criteria provided, single submitter. Criteria: ACMG Guidelines, 2015. Collection method: clinical testing. Allele origin: germline. Affected: yes. Observed: 1 variant allele.
Comment: ACMG criteria applied: PM2_SUP

GeneDx
Classification: Uncertain significance. Last evaluated: 2020-11-03. Review status: criteria provided, single submitter. Criteria: GeneDx Variant Classification Process June 2021. Collection method: clinical testing. Allele origin: germline. Affected: yes.
Comment: Not observed at a significant frequency in large population cohorts (Lek et al., 2016); In silico analysis supports that this missense variant does not alter protein structure/function; Has not been previously published as pathogenic or benign to our knowledge

CeGaT Center for Human Genetics Tuebingen
Classification: Uncertain significance. Last evaluated: 2017-03-01. Review status: criteria provided, single submitter. Criteria: CeGaT Center For Human Genetics Tuebingen Variant Classification Criteria Version 2. Collection method: clinical testing. Allele origin: germline. Affected: yes. Observed: 1 variant allele.

NM_002693.3(POLG):c.88G>A (p.Val30Ile)

Genes: POLG (DNA polymerase gamma, catalytic subunit; minus strand), POLGARF (POLG alternative reading frame; minus strand). Cytogenetic location: 15q26.1.
Variant type: single nucleotide variant.
Coding change: c.88G>A on transcript NM_002693.3 (MANE Select); coding-DNA position 88, G replaced by A.
Protein change: p.Val30Ile; replaces valine 30 with isoleucine.
Molecular consequence: missense variant.
Genome position (GRCh38, 1-based): chr15:89,333,667, C>T on the plus strand (G>A on the coding strand, the complement: POLG is on the minus strand). VCF-style: chr15-89333667-C-T. GRCh37 (hg19) VCF-style: chr15-89876898-C-T.
Other names: c.88G>A, p.Val30Ile (NM_001126131.2); short protein forms V30I.
Identifiers: ClinVar variation 807309 (VCV000807309.50), dbSNP rs1321405180, ClinGen allele CA393774878.